The following is an entry in ClinVar:

ClinVar aggregate classification (germline): Uncertain significance. Review status: criteria provided, multiple submitters, no conflicts (2 of 4 stars). 2 submissions from 2 submitters: Uncertain significance (2). Last evaluated 2025-09-15.

Allele frequency attached by ClinVar (database versions not stated): gnomAD exomes 0.00003; ExAC 0.00004; gnomAD 0.00005; TOPMed 0.00005; 1000 Genomes Project 30x 0.00016; 1000 Genomes Project 0.00020.
gnomAD v4.1: 29 of 1,610,836 alleles (0.0018%); highest among the groups gnomAD compares: Admixed American, 0.01%; no homozygotes.

Submissions (2):

Labcorp Genetics (formerly Invitae), Labcorp
Classification: Uncertain significance. Last evaluated: 2025-09-15. Review status: criteria provided, single submitter. Criteria: Invitae Variant Classification Sherloc (09022015). Collection method: clinical testing. Allele origin: germline.
Comment: This sequence change replaces arginine, which is basic and polar, with glutamine, which is neutral and polar, at codon 843 of the NLRP1 protein (p.Arg843Gln). This variant also falls at the last nucleotide of exon 5, which is part of the consensus splice site for this exon. This variant is present in population databases (rs201380144, gnomAD 0.006%). This variant has not been reported in the literature in individuals affected with NLRP1-related conditions. ClinVar contains an entry for this variant (Variation ID: 808206). An algorithm developed to predict the effect of missense changes on protein structure and function (PolyPhen-2) suggests that this variant is likely to be tolerated. Variants that disrupt the consensus splice site are a relatively common cause of aberrant splicing (PMID: 17576681, 9536098). In summary, the available evidence is currently insufficient to determine the role of this variant in disease. Therefore, it has been classified as a Variant of Uncertain Significance.

CeGaT Center for Human Genetics Tuebingen
Classification: Uncertain significance. Last evaluated: 2019-06-01. Review status: criteria provided, single submitter. Criteria: CeGaT Center For Human Genetics Tuebingen Variant Classification Criteria Version 2. Collection method: clinical testing. Allele origin: germline. Affected: yes. Observed: 1 variant allele.

Literature cited by the submitters: PubMed 17576681 (cited by Labcorp Genetics (formerly Invitae), Labcorp); PubMed 9536098 (cited by Labcorp Genetics (formerly Invitae), Labcorp).

NM_033004.4(NLRP1):c.2528G>A (p.Arg843Gln)

Gene: NLRP1 (NLR family pyrin domain containing 1; minus strand). Cytogenetic location: 17p13.2.
Variant type: single nucleotide variant.
Coding change: c.2528G>A on transcript NM_033004.4 (MANE Select); coding-DNA position 2528, G replaced by A.
Protein change: p.Arg843Gln; replaces arginine 843 with glutamine.
Molecular consequence: missense variant.
Genome position (GRCh38, 1-based): chr17:5,553,386, C>T on the plus strand (G>A on the coding strand, the complement: NLRP1 is on the minus strand). VCF-style: chr17-5553386-C-T. GRCh37 (hg19) VCF-style: chr17-5456706-C-T.
Other names: c.2528G>A, p.Arg843Gln (NM_001033053.3, NM_014922.5, NM_033006.4 and 1 more transcripts); short protein forms R843Q.
Identifiers: ClinVar variation 808206 (VCV000808206.47), dbSNP rs201380144, ClinGen allele CA8327147.